The following is an entry in ClinVar:

NM_001368894.2(PAX6):c.373_377del (p.Val125fs)

Gene: PAX6 (paired box 6; minus strand). Cytogenetic location: 11p13.
Variant type: Deletion.
Coding change: c.373_377del on transcript NM_001368894.2 (MANE Select); coding-DNA positions 373 to 377, 5 bases deleted (GTCTG; older notation c.373_377delGTCTG).
Protein change: p.Val125fs; shifts the reading frame from valine 125.
Molecular consequence: frameshift variant. On other transcripts: 5 prime UTR variant (14), non-coding transcript variant (2), intron variant (8).
Genome position (GRCh38, 1-based): chr11:31,801,583-31,801,587, CAGAC deleted on the plus strand (GTCTG on the coding strand, the reverse complement: PAX6 is on the minus strand); deleting any 5 consecutive bases within chr11:31,801,583-31,801,588 gives the same sequence; the c. name uses the placement nearest the transcript's 3' end. VCF-style (leftmost placement, unchanged base first): chr11-31801582-ACAGAC-A. GRCh37 (hg19) VCF-style: chr11-31823130-ACAGAC-A.
Other names: c.331_335del, p.Val111fs (NM_000280.6, NM_001127612.3, NM_001258464.2 and 10 more transcripts); c.373_377del, p.Val125fs (NM_001258462.3, NM_001258463.2, NM_001310158.2 and 6 more transcripts); c.-409_-405del (NM_001310160.2, NM_001368902.2, NM_001368905.2); c.-78_-74del (NM_001310161.3, NM_001368899.2, NM_001368900.2 and 8 more transcripts); c.574_578del, p.Val192fs (NM_001368910.2); c.376_380del, p.Val126fs (NM_001368911.2); c.448_452del, p.Val150fs (NM_001368918.2, NM_001368919.2); c.406_410del, p.Val136fs (NM_001368920.2); and 2 more; short protein forms V150fs, V192fs, V111fs, V125fs, V136fs, V126fs.
Identifiers: ClinVar variation 817132 (VCV000817132.2), dbSNP rs1592542615, ClinGen allele CA915948062.

ClinVar aggregate classification (germline): Pathogenic (1 of 4 stars; one submission).

Submission:

GeneDx
Classification: Pathogenic. Last evaluated: 2018-06-22. Review status: criteria provided, single submitter. Criteria: GeneDx Variant Classification (06012015). Collection method: clinical testing. Allele origin: germline. Affected: yes.
Comment: The c.331_335delGTCTG variant in the PAX6 gene causes a frameshift starting with codon Valine 111, changes this amino acid to a Tyrosine residue and creates a premature Stop codon at position 4 of the new reading frame, denoted p.Val111TyrfsX4. This variant is predicted to cause loss of normal protein function either through protein truncation or nonsense-mediated mRNA decay. The c.331_335delGTCTG variant is not observed in large population cohorts (Lek et al., 2016). Therefore, this variant is pathogenic.